The following is an entry in ClinVar:

ClinVar aggregate classification (germline): Uncertain significance (1 of 4 stars; one submission).

Conditions:
Citrullinemia. Identifiers: Orphanet 187, MedGen C0175683, MONDO:0015991.

Submission:

Labcorp Genetics (formerly Invitae), Labcorp
Classification: Uncertain significance for Citrullinemia. Last evaluated: 2025-07-07. Review status: criteria provided, single submitter. Criteria: Invitae Variant Classification Sherloc (09022015). Collection method: clinical testing. Allele origin: germline.
Comment: This sequence change replaces leucine, which is neutral and non-polar, with histidine, which is basic and polar, at codon 206 of the ASS1 protein (p.Leu206His). This variant is not present in population databases (gnomAD no frequency). This variant has not been reported in the literature in individuals affected with ASS1-related conditions. ClinVar contains an entry for this variant (Variation ID: 2122342). Invitae Evidence Modeling of protein sequence and biophysical properties (such as structural, functional, and spatial information, amino acid conservation, physicochemical variation, residue mobility, and thermodynamic stability) has been performed for this missense variant. However, the output from this modeling did not meet the statistical confidence thresholds required to predict the impact of this variant on ASS1 protein function. In summary, the available evidence is currently insufficient to determine the role of this variant in disease. Therefore, it has been classified as a Variant of Uncertain Significance.

NM_054012.4(ASS1):c.617T>A (p.Leu206His)

Gene: ASS1 (argininosuccinate synthase 1; plus strand). Cytogenetic location: 9q34.11.
Variant type: single nucleotide variant.
Coding change: c.617T>A on transcript NM_054012.4 (MANE Select); coding-DNA position 617, T replaced by A.
Protein change: p.Leu206His; replaces leucine 206 with histidine.
Molecular consequence: missense variant.
Genome position (GRCh38, 1-based): chr9:130,476,890, T>A. VCF-style: chr9-130476890-T-A. GRCh37 (hg19) VCF-style: chr9-133352277-T-A.
Other names: c.617T>A, p.Leu206His (NM_000050.4); short protein forms L206H.
Identifiers: ClinVar variation 2122342 (VCV002122342.4), dbSNP rs2490581917, ClinGen allele CA375228330.